The following is an entry in ClinVar:

ClinVar aggregate classification (germline): Conflicting classifications of pathogenicity. Review status: criteria provided, conflicting classifications (1 of 4 stars). 3 submissions from 3 submitters: Uncertain significance (2); Likely benign (1). Last evaluated 2025-10-26.

Conditions:
Early-infantile DEE. Also called: Early infantile epileptic encephalopathy with suppression bursts; Early infantile epileptic encephalopathy; Ohtahara syndrome. Identifiers: Orphanet 1934, MedGen C0393706, MONDO:0800491.
Inborn genetic diseases. Identifiers: MedGen C0950123, MeSH D030342.

Allele frequency attached by ClinVar (database versions not stated): gnomAD exomes 0.00003; ExAC 0.00005; ESP Exome Variant Server 0.00008; TOPMed 0.00008; gnomAD 0.00009 and 0.00010.
gnomAD v4.1: 52 of 1,610,588 alleles (0.0032%); highest among the groups gnomAD compares: African/African-American, 0.029%; no homozygotes.

Submissions (3):

Labcorp Genetics (formerly Invitae), Labcorp
Classification: Uncertain significance for Early-infantile DEE. Last evaluated: 2025-10-26. Review status: criteria provided, single submitter. Criteria: Invitae Variant Classification Sherloc (09022015). Collection method: clinical testing. Allele origin: germline.
Comment: This sequence change replaces arginine, which is basic and polar, with cysteine, which is neutral and slightly polar, at codon 432 of the KCNQ2 protein (p.Arg432Cys). This variant is present in population databases (rs368720575, gnomAD 0.02%). This missense change has been observed in individual(s) with epilepsy (PMID: 31199083). ClinVar contains an entry for this variant (Variation ID: 575399). Invitae Evidence Modeling of protein sequence and biophysical properties (such as structural, functional, and spatial information, amino acid conservation, physicochemical variation, residue mobility, and thermodynamic stability) indicates that this missense variant is expected to disrupt KCNQ2 protein function with a positive predictive value of 95%. In summary, the available evidence is currently insufficient to determine the role of this variant in disease. Therefore, it has been classified as a Variant of Uncertain Significance.

Women's Health and Genetics/Laboratory Corporation of America, LabCorp
Classification: Uncertain significance. Last evaluated: 2024-09-03. Review status: criteria provided, single submitter. Criteria: LabCorp Variant Classification Summary - May 2015. Collection method: clinical testing. Allele origin: germline.
Comment: Variant summary: KCNQ2 c.1294C>T (p.Arg432Cys) results in a non-conservative amino acid change in the encoded protein sequence. Four of five in-silico tools predict a damaging effect of the variant on protein function. The variant allele was found at a frequency of 3.2e-05 in 1610588 control chromosomes. This frequency is not significantly higher than estimated for a pathogenic variant in KCNQ2 causing KCNQ2-Related Disorders, allowing no conclusion about variant significance. c.1294C>T has been reported in the literature in at-least one individual affected with childhood epilepsy (example: Lee_2019). These report(s) do not provide unequivocal conclusions about association of the variant with KCNQ2-Related Disorders. To our knowledge, no experimental evidence demonstrating an impact on protein function has been reported. The following publication has been ascertained in the context of this evaluation (PMID: 31199083). ClinVar contains an entry for this variant (Variation ID: 575399). Based on the evidence outlined above, the variant was classified as uncertain significance.

Ambry Genetics
Classification: Likely benign for Inborn genetic diseases. Last evaluated: 2018-08-03. Review status: criteria provided, single submitter. Criteria: Ambry Variant Classification Scheme 2023. Collection method: clinical testing. Allele origin: germline.

Literature cited by the submitters: PubMed 31199083 (cited by Labcorp Genetics (formerly Invitae), Labcorp and Women's Health and Genetics/Laboratory Corporation of America, LabCorp).

NM_172107.4(KCNQ2):c.1294C>T (p.Arg432Cys)

Gene: KCNQ2 (potassium voltage-gated channel subfamily Q member 2; minus strand). Cytogenetic location: 20q13.33.
Variant type: single nucleotide variant.
Coding change: c.1294C>T on transcript NM_172107.4 (MANE Select); coding-DNA position 1294, C replaced by T.
Protein change: p.Arg432Cys; replaces arginine 432 with cysteine.
Molecular consequence: missense variant. On other transcripts: intron variant (3).
Genome position (GRCh38, 1-based): chr20:63,419,626, G>A on the plus strand (C>T on the coding strand, the complement: KCNQ2 is on the minus strand). VCF-style: chr20-63419626-G-A. GRCh37 (hg19) VCF-style: chr20-62050979-G-A.
Other names: c.1218-4500C>T (NM_004518.6); c.1248-4536C>T (NM_172108.5); c.1248-4500C>T (NM_172106.3); short protein forms R432C.
Identifiers: ClinVar variation 575399 (VCV000575399.13), dbSNP rs368720575, ClinGen allele CA9958512.